The following is an entry in ClinVar:

ClinVar aggregate classification (germline): Uncertain significance (1 of 4 stars; one submission).

Conditions:
Congenital muscular dystrophy due to integrin alpha-7 deficiency. Also called: MYOPATHY, CONGENITAL, DUE TO INTEGRIN ALPHA-7 DEFICIENCY; Congenital muscular dystrophy with integrin alpha-7 deficiency; Muscular dystrophy, congenital, due to ITGA7 deficiency. Identifiers: Orphanet 34520, MedGen C2750786, MONDO:0013177, OMIM 613204.

Allele frequency attached by ClinVar (database versions not stated): gnomAD exomes below 0.00001 and 0.00001; gnomAD 0.00002; TOPMed 0.00005; ESP Exome Variant Server 0.00008.
gnomAD v4.1: 12 of 1,613,908 alleles (0.00074%); highest among the groups gnomAD compares: Non-Finnish European, 0.00068%; no homozygotes.

Submission:

Labcorp Genetics (formerly Invitae), Labcorp
Classification: Uncertain significance for Congenital muscular dystrophy due to integrin alpha-7 deficiency. Last evaluated: 2021-03-23. Review status: criteria provided, single submitter. Criteria: Invitae Variant Classification Sherloc (09022015). Collection method: clinical testing. Allele origin: germline.
Comment: This sequence change replaces tyrosine with histidine at codon 965 of the ITGA7 protein (p.Tyr965His). The tyrosine residue is moderately conserved and there is a moderate physicochemical difference between tyrosine and histidine. This variant is not present in population databases (ExAC no frequency). In summary, the available evidence is currently insufficient to determine the role of this variant in disease. Therefore, it has been classified as a Variant of Uncertain Significance. Algorithms developed to predict the effect of missense changes on protein structure and function (SIFT, PolyPhen-2, Align-GVGD) all suggest that this variant is likely to be tolerated, but these predictions have not been confirmed by published functional studies and their clinical significance is uncertain. This variant has not been reported in the literature in individuals with ITGA7-related conditions.

NM_002206.3(ITGA7):c.2893T>C (p.Tyr965His)

Gene: ITGA7 (integrin subunit alpha 7; minus strand). Cytogenetic location: 12q13.2.
Variant type: single nucleotide variant.
Coding change: c.2893T>C on transcript NM_002206.3 (MANE Select); coding-DNA position 2893, T replaced by C.
Protein change: p.Tyr965His; replaces tyrosine 965 with histidine.
Molecular consequence: missense variant.
Genome position (GRCh38, 1-based): chr12:55,688,909, A>G on the plus strand (T>C on the coding strand, the complement: ITGA7 is on the minus strand). VCF-style: chr12-55688909-A-G. GRCh37 (hg19) VCF-style: chr12-56082693-A-G.
Other names: c.2905T>C, p.Tyr969His (NM_001144996.2); c.2614T>C, p.Tyr872His (NM_001144997.2); c.2566T>C, p.Tyr856His (NM_001367993.1); c.1549T>C, p.Tyr517His (NM_001367994.1); c.2875T>C, p.Tyr959His (NM_001374465.1); c.3025T>C, p.Tyr1009His (NM_001410977.1); c.2887T>C, p.Tyr963His (NM_001414029.1); c.2818T>C, p.Tyr940His (NM_001414030.1); and 5 more; short protein forms Y959H, Y965H, Y856H, Y872H, Y969H, Y517H, Y1009H, Y904H.
Identifiers: ClinVar variation 1370118 (VCV001370118.8), dbSNP rs371338576, ClinGen allele CA237561275.